The following is an entry in ClinVar:

ClinVar aggregate classification (germline): Uncertain significance (1 of 4 stars; one submission).

Allele frequency attached by ClinVar (database versions not stated): TOPMed below 0.00001; ExAC 0.00001; gnomAD 0.00001.
gnomAD v4.1: 21 of 1,614,018 alleles (0.0013%); highest among the groups gnomAD compares: Non-Finnish European, 0.0016%; no homozygotes.

Submission:

Ambry Genetics
Classification: Uncertain significance. Last evaluated: 2022-10-14. Review status: criteria provided, single submitter. Criteria: Ambry Variant Classification Scheme 2023. Collection method: clinical testing. Allele origin: germline.
Comment: The p.P45R variant (also known as c.134C>G), located in coding exon 1 of the BUB3 gene, results from a C to G substitution at nucleotide position 134. The proline at codon 45 is replaced by arginine, an amino acid with dissimilar properties. This amino acid position is conserved. In addition, this alteration is predicted to be tolerated by in silico analysis. Since supporting evidence is limited at this time, the clinical significance of this alteration remains unclear.

NM_004725.4(BUB3):c.134C>G (p.Pro45Arg)

Genes: BUB3 (BUB3 mitotic checkpoint protein; plus strand), LOC130004885 (ATAC-STARR-seq lymphoblastoid active region 4151; plus strand). Cytogenetic location: 10q26.13.
Variant type: single nucleotide variant.
Coding change: c.134C>G on transcript NM_004725.4 (MANE Select); coding-DNA position 134, C replaced by G.
Protein change: p.Pro45Arg; replaces proline 45 with arginine.
Molecular consequence: missense variant.
Genome position (GRCh38, 1-based): chr10:123,155,051, C>G. VCF-style: chr10-123155051-C-G. GRCh37 (hg19) VCF-style: chr10-124914567-C-G.
Other names: c.134C>G, p.Pro45Arg (NM_001007793.3); short protein forms P45R.
Identifiers: ClinVar variation 1770563 (VCV001770563.2), dbSNP rs754236959, ClinGen allele CA5731496.